The following is an entry in ClinVar:

ClinVar aggregate classification (germline): Pathogenic. Review status: reviewed by expert panel (3 of 4 stars). 4 submissions from 4 submitters: Pathogenic (1). 3 of the submissions do not count toward it. Last evaluated 2016-10-18.

Conditions:
Hereditary cancer-predisposing syndrome. Also called: Tumor predisposition; Neoplastic Syndromes, Hereditary; Hereditary Cancer Syndrome; Hereditary neoplastic syndrome. Identifiers: Orphanet 140162, MedGen C0027672, MeSH D009386, MONDO:0015356.
Breast-ovarian cancer, familial, susceptibility to, 1 (BROVCA1). Also called: OVARIAN CANCER, SUSCEPTIBILITY TO; BRCA1 Hereditary Breast and Ovarian Cancer. Identifiers: Orphanet 145, MedGen C2676676, MONDO:0011450, OMIM 604370. Disease mechanism: loss of function.

Allele frequency attached by ClinVar (database versions not stated): gnomAD exomes below 0.00001.

Submissions (4):

Evidence-based Network for the Interpretation of Germline Mutant Alleles (ENIGMA)
Classification: Pathogenic for Breast-ovarian cancer, familial, susceptibility to, 1. Last evaluated: 2016-10-18. Review status: reviewed by expert panel. Criteria: ENIGMA BRCA1/2 Classification Criteria (2015). Collection method: curation. Allele origin: germline.
Comment: Variant allele predicted to encode a truncated non-functional protein.

Color Diagnostics, LLC DBA Color Health
Classification: Pathogenic for Hereditary cancer-predisposing syndrome. Last evaluated: 2024-01-04. Review status: criteria provided, single submitter. Criteria: ACMG Guidelines, 2015. Collection method: clinical testing. Allele origin: germline. Not counted in ClinVar's aggregate classification.
Comment: This variant deletes 2 nucleotides in exon 10 of the BRCA1 gene, creating a frameshift and premature translation stop signal. This variant is expected to result in an absent or non-functional protein product. This variant has been reported in an individual affected with ovarian cancer (PMID: 22776961) and has been identified in 1 family among the CIMBA participants (PMID: 29446198). This variant has not been identified in the general population by the Genome Aggregation Database (gnomAD). Loss of BRCA1 function is a known mechanism of disease. Based on the available evidence, this variant is classified as Pathogenic.

Ambry Genetics
Classification: Pathogenic for Hereditary cancer-predisposing syndrome. Last evaluated: 2016-12-29. Review status: criteria provided, single submitter. Criteria: Ambry Variant Classification Scheme 2023. Collection method: clinical testing. Allele origin: germline. Not counted in ClinVar's aggregate classification.
Comment: The c.1232_1233delAT pathogenic mutation, located in coding exon 9 of the BRCA1 gene, results from a deletion of two nucleotides at nucleotide positions 1232 to 1233, causing a translational frameshift with a predicted alternate stop codon (p.D411Gfs*7). This mutation (designated as 1351delAT) was previously identified in a cohort of 131 women diagnosed with non-mucinous epithelial ovarian cancer. (Schrader KA et al. Obstet Gynecol, 2012 Aug;120:235-40). In addition to the clinical data presented in the literature, this alteration is expected to result in loss of function by premature protein truncation or nonsense-mediated mRNA decay. As such, this alteration is interpreted as a disease-causing mutation.

Consortium of Investigators of Modifiers of BRCA1/2 (CIMBA), c/o University of Cambridge
Classification: Pathogenic for Breast-ovarian cancer, familial, susceptibility to, 1. Last evaluated: 2015-10-02. Review status: criteria provided, single submitter. Criteria: CIMBA Mutation Classification guidelines May 2016. Collection method: clinical testing. Allele origin: germline. Not counted in ClinVar's aggregate classification.

Literature cited by the submitters: PubMed 22776961 (cited by Color Diagnostics, LLC DBA Color Health and Ambry Genetics); PubMed 29446198 (cited by Color Diagnostics, LLC DBA Color Health).

NM_007294.4(BRCA1):c.1232_1233del (p.Asp411fs)

Gene: BRCA1 (BRCA1 DNA repair associated; minus strand). Cytogenetic location: 17q21.31.
Variant type: Deletion.
Coding change: c.1232_1233del on transcript NM_007294.4 (MANE Select); coding-DNA positions 1232 to 1233, 2 bases deleted (AT; older notation c.1232_1233delAT).
Protein change: p.Asp411fs; shifts the reading frame from aspartic acid 411.
Molecular consequence: frameshift variant. On other transcripts: intron variant (137).
Genome position (GRCh38, 1-based): chr17:43,094,298-43,094,299, AT deleted on the plus strand (AT on the coding strand, the reverse complement: BRCA1 is on the minus strand). VCF-style (leftmost placement, unchanged base first): chr17-43094297-CAT-C. GRCh37 (hg19) VCF-style: chr17-41246314-CAT-C.
Other names: 1351delAT; c.1232_1233del, p.Asp411fs (NM_001407617.1, NM_001407618.1, NM_001407619.1 and 30 more transcripts); c.1229_1230del, p.Asp410fs (NM_001407627.1, NM_001407628.1, NM_001407629.1 and 22 more transcripts); c.1223_1224del, p.Asp408fs (NM_001407646.1, NM_001407647.1); c.1109_1110del, p.Asp370fs (NM_001407648.1, NM_001407664.1, NM_001407665.1 and 19 more transcripts); c.1106_1107del, p.Asp369fs (NM_001407649.1, NM_001407670.1, NM_001407671.1 and 11 more transcripts); c.1154_1155del, p.Asp385fs (NM_001407653.1, NM_001407654.1, NM_001407655.1 and 4 more transcripts); c.1151_1152del, p.Asp384fs (NM_001407659.1, NM_001407660.1, NM_001407661.1 and 1 more transcripts); and 41 more; short protein forms D364fs, D411fs, D115fs, D322fs, D341fs, D343fs, D384fs, D370fs.
Identifiers: ClinVar variation 54169 (VCV000054169.10), dbSNP rs397508848, ClinGen allele CA000808.
Genomic context (GRCh38, chr17:43,094,297, plus strand): 5'-GTAAGTCTATTTTCTCTGAAGAACCAGAATATTCATCTACCTCATTTAGAACGTCCAATA[CAT>C]CAGCTACTTTGGCATTTGATTCAGACTCCCCATCATGTGAGTCATCAGAACCTAACAGTT-3'